The following is an entry in ClinVar:

ClinVar aggregate classification (germline): Pathogenic (1 of 4 stars; one submission).

Conditions:
Leber congenital amaurosis 1 (LCA1). Also called: Congenital absence of the rods and cones; Leber's congenital tapetoretinal degeneration; Leber's congenital tapetoretinal dysplasia; AMAUROSIS CONGENITA OF LEBER I; RETINAL BLINDNESS, CONGENITAL. Identifiers: Orphanet 65, MedGen C2931258, MONDO:0008764, OMIM 204000.
Cone-rod dystrophy 6 (CORD6). Also called: Cone dystrophy progressive; RETINAL CONE DYSTROPHY 2. Identifiers: Orphanet 1872, MedGen C1866293, MONDO:0011143, OMIM 601777.

Submission:

Labcorp Genetics (formerly Invitae), Labcorp
Classification: Pathogenic for Leber congenital amaurosis 1; Cone-rod dystrophy 6. Last evaluated: 2023-04-27. Review status: criteria provided, single submitter. Criteria: Invitae Variant Classification Sherloc (09022015). Collection method: clinical testing. Allele origin: germline.
Comment: For these reasons, this variant has been classified as Pathogenic. This variant has not been reported in the literature in individuals affected with GUCY2D-related conditions. This variant is not present in population databases (gnomAD no frequency). This sequence change creates a premature translational stop signal (p.Phe912*) in the GUCY2D gene. It is expected to result in an absent or disrupted protein product. Loss-of-function variants in GUCY2D are known to be pathogenic (PMID: 10951519, 11328726).

Literature cited by the submitters: PubMed 10951519; PubMed 11328726.

NM_000180.4(GUCY2D):c.2735_2736del (p.Leu911_Phe912insTer)

Gene: GUCY2D (guanylate cyclase 2D, retinal; plus strand). Cytogenetic location: 17p13.1.
Variant type: Deletion.
Coding change: c.2735_2736del on transcript NM_000180.4 (MANE Select); coding-DNA positions 2735 to 2736, 2 bases deleted (TT; older notation c.2735_2736delTT).
Protein change: p.Leu911_Phe912insTer.
Molecular consequence: nonsense.
Genome position (GRCh38, 1-based): chr17:8,015,017-8,015,018, TT deleted; deleting any 2 consecutive bases within chr17:8,015,016-8,015,018 gives the same sequence; the c. name uses the placement nearest the transcript's 3' end. VCF-style (leftmost placement, unchanged base first): chr17-8015015-CTT-C. GRCh37 (hg19) VCF-style: chr17-7918333-CTT-C.
Identifiers: ClinVar variation 2937055 (VCV002937055.3), dbSNP rs1975937052, ClinGen allele CA497953542.